The following is an entry in ClinVar:

NM_004260.4(RECQL4):c.2723T>C (p.Leu908Pro)

Gene: RECQL4 (RecQ like helicase 4; minus strand). Cytogenetic location: 8q24.3.
Variant type: single nucleotide variant.
Coding change: c.2723T>C on transcript NM_004260.4 (MANE Select); coding-DNA position 2723, T replaced by C.
Protein change: p.Leu908Pro; replaces leucine 908 with proline.
Molecular consequence: missense variant.
Genome position (GRCh38, 1-based): chr8:144,512,879, A>G on the plus strand (T>C on the coding strand, the complement: RECQL4 is on the minus strand). VCF-style: chr8-144512879-A-G. GRCh37 (hg19) VCF-style: chr8-145738262-A-G.
Other names: short protein forms L908P.
Identifiers: ClinVar variation 1062599 (VCV001062599.3), dbSNP rs1244850943, ClinGen allele CA372674975.

ClinVar aggregate classification (germline): Uncertain significance (1 of 4 stars; one submission).

Conditions:
Baller-Gerold syndrome (BGS). Also called: CRANIOSYNOSTOSIS WITH RADIAL DEFECTS. Identifiers: Orphanet 1225, MedGen C0265308, MONDO:0009039, OMIM 218600.

Allele frequency attached by ClinVar (database versions not stated): gnomAD exomes below 0.00001.
gnomAD v4.1: 1 of 1,597,524 alleles (0.000063%); highest among the groups gnomAD compares: South Asian, 0.0011%; no homozygotes.

Submission:

Labcorp Genetics (formerly Invitae), Labcorp
Classification: Uncertain significance for Baller-Gerold syndrome. Last evaluated: 2020-06-01. Review status: criteria provided, single submitter. Criteria: Invitae Variant Classification Sherloc (09022015). Collection method: clinical testing. Allele origin: germline.
Comment: In summary, the available evidence is currently insufficient to determine the role of this variant in disease. Therefore, it has been classified as a Variant of Uncertain Significance. Experimental studies and prediction algorithms are not available or were not evaluated, and the functional significance of this variant is currently unknown. This variant has not been reported in the literature in individuals with RECQL4-related conditions. This variant is not present in population databases (ExAC no frequency). This sequence change replaces leucine with proline at codon 908 of the RECQL4 protein (p.Leu908Pro). The leucine residue is weakly conserved and there is a moderate physicochemical difference between leucine and proline.